The following is an entry in ClinVar:

ClinVar aggregate classification (germline): Uncertain significance (1 of 4 stars; one submission).

Conditions:
Mucolipidosis type II. Also called: Mucolipidosis 2; ML 2; Inclusion cell disease; Leroy Disease; N-acetylglucosamine 1phosphotransferase deficiency; ML disorder type 2. Identifiers: Orphanet 576, MedGen C2673377, MONDO:0009650, OMIM 252500.
Pseudo-Hurler polydystrophy. Also called: ML IIIA; Mucolipidosis III Alpha/Beta; MUCOLIPIDOSIS IIIA; ML III; ML III ALPHA/BETA; Type III Mucolipidosis. Identifiers: Orphanet 423461, Orphanet 577, MedGen C0033788, MONDO:0018931, OMIM 252600.

Submission:

Labcorp Genetics (formerly Invitae), Labcorp
Classification: Uncertain significance for Pseudo-Hurler polydystrophy; Mucolipidosis type II. Last evaluated: 2022-08-05. Review status: criteria provided, single submitter. Criteria: Invitae Variant Classification Sherloc (09022015). Collection method: clinical testing. Allele origin: germline.
Comment: This sequence change replaces isoleucine, which is neutral and non-polar, with methionine, which is neutral and non-polar, at codon 395 of the GNPTAB protein (p.Ile395Met). This variant is not present in population databases (gnomAD no frequency). This variant has not been reported in the literature in individuals affected with GNPTAB-related conditions. Algorithms developed to predict the effect of missense changes on protein structure and function are either unavailable or do not agree on the potential impact of this missense change (SIFT: "Deleterious"; PolyPhen-2: "Probably Damaging"; Align-GVGD: "Class C0"). In summary, the available evidence is currently insufficient to determine the role of this variant in disease. Therefore, it has been classified as a Variant of Uncertain Significance.

NM_024312.5(GNPTAB):c.1185C>G (p.Ile395Met)

Gene: GNPTAB (N-acetylglucosamine-1-phosphate transferase subunits alpha and beta; minus strand). Cytogenetic location: 12q23.2.
Variant type: single nucleotide variant.
Coding change: c.1185C>G on transcript NM_024312.5 (MANE Select); coding-DNA position 1185, C replaced by G.
Protein change: p.Ile395Met; replaces isoleucine 395 with methionine.
Molecular consequence: missense variant.
Genome position (GRCh38, 1-based): chr12:101,770,120, G>C on the plus strand (C>G on the coding strand, the complement: GNPTAB is on the minus strand). VCF-style: chr12-101770120-G-C. GRCh37 (hg19) VCF-style: chr12-102163898-G-C.
Other names: short protein forms I395M.
Identifiers: ClinVar variation 2188920 (VCV002188920.1), dbSNP rs564430600, ClinGen allele CA386302677.